The following is an entry in ClinVar:

ClinVar aggregate classification (germline): Uncertain significance. Review status: criteria provided, multiple submitters, no conflicts (2 of 4 stars). 3 submissions from 3 submitters: Uncertain significance (3). Last evaluated 2026-01-26.

Conditions:
Inborn genetic diseases. Identifiers: MedGen C0950123, MeSH D030342.

Allele frequency attached by ClinVar (database versions not stated): gnomAD exomes below 0.00001; gnomAD 0.00001; TOPMed 0.00003.
gnomAD v4.1: 6 of 1,613,488 alleles (0.00037%); highest among the groups gnomAD compares: African/African-American, 0.0027%; no homozygotes.

Submissions (3):

Labcorp Genetics (formerly Invitae), Labcorp
Classification: Uncertain significance. Last evaluated: 2026-01-26. Review status: criteria provided, single submitter. Criteria: Invitae Variant Classification Sherloc (09022015). Collection method: clinical testing. Allele origin: germline.
Comment: This sequence change replaces valine, which is neutral and non-polar, with alanine, which is neutral and non-polar, at codon 591 of the COL4A1 protein (p.Val591Ala). This variant is present in population databases (rs759892475, gnomAD no frequency). This variant has not been reported in the literature in individuals affected with COL4A1-related conditions. ClinVar contains an entry for this variant (Variation ID: 1437307). Invitae Evidence Modeling of protein sequence and biophysical properties (such as structural, functional, and spatial information, amino acid conservation, physicochemical variation, residue mobility, and thermodynamic stability) indicates that this missense variant is not expected to disrupt COL4A1 protein function with a negative predictive value of 95%. In summary, the available evidence is currently insufficient to determine the role of this variant in disease. Therefore, it has been classified as a Variant of Uncertain Significance.

Ambry Genetics
Classification: Uncertain significance for Inborn genetic diseases. Last evaluated: 2025-09-09. Review status: criteria provided, single submitter. Criteria: Ambry Variant Classification Scheme 2023. Collection method: clinical testing. Allele origin: germline.

Women's Health and Genetics/Laboratory Corporation of America, LabCorp
Classification: Uncertain significance. Last evaluated: 2024-04-29. Review status: criteria provided, single submitter. Criteria: LabCorp Variant Classification Summary - May 2015. Collection method: clinical testing. Allele origin: germline.
Comment: Variant summary: COL4A1 c.1772T>C (p.Val591Ala) results in a non-conservative amino acid change in the encoded protein sequence. Four of five in-silico tools predict a benign effect of the variant on protein function. The variant allele was found at a frequency of 4e-06 in 250670 control chromosomes. The available data on variant occurrences in the general population are insufficient to allow any conclusion about variant significance. To our knowledge, no occurrence of c.1772T>C in individuals affected with Porencephaly 1 and no experimental evidence demonstrating its impact on protein function have been reported. ClinVar contains an entry for this variant (Variation ID: 1437307). Based on the evidence outlined above, the variant was classified as uncertain significance.

NM_001845.6(COL4A1):c.1772T>C (p.Val591Ala)

Gene: COL4A1 (collagen type IV alpha 1 chain; minus strand). Cytogenetic location: 13q34.
Variant type: single nucleotide variant.
Coding change: c.1772T>C on transcript NM_001845.6 (MANE Select); coding-DNA position 1772, T replaced by C.
Protein change: p.Val591Ala; replaces valine 591 with alanine.
Molecular consequence: missense variant.
Genome position (GRCh38, 1-based): chr13:110,186,510, A>G on the plus strand (T>C on the coding strand, the complement: COL4A1 is on the minus strand). VCF-style: chr13-110186510-A-G. GRCh37 (hg19) VCF-style: chr13-110838857-A-G.
Other names: c.1772T>C (NM_001845.4); short protein forms V591A.
Identifiers: ClinVar variation 1437307 (VCV001437307.8), dbSNP rs759892475, ClinGen allele CA256265000.